The following is an entry in ClinVar:

ClinVar aggregate classification (germline): Uncertain significance. Review status: criteria provided, multiple submitters, no conflicts (2 of 4 stars). 2 submissions from 2 submitters: Uncertain significance (2). Last evaluated 2025-11-19.

Conditions:
Cardiovascular phenotype. Identifiers: MedGen CN230736.
DiGeorge syndrome. Also called: Catch22; THIRD AND FOURTH PHARYNGEAL POUCH SYNDROME. Identifiers: Orphanet 567, MedGen C0012236, MONDO:0008564, OMIM 188400.

Allele frequency attached by ClinVar (database versions not stated): gnomAD exomes 0.00001.
gnomAD v4.1: 16 of 1,345,368 alleles (0.0012%); highest among the groups gnomAD compares: Non-Finnish European, 0.0015%; no homozygotes.

Submissions (2):

Labcorp Genetics (formerly Invitae), Labcorp
Classification: Uncertain significance for DiGeorge syndrome. Last evaluated: 2025-11-19. Review status: criteria provided, single submitter. Criteria: Invitae Variant Classification Sherloc (09022015). Collection method: clinical testing. Allele origin: germline.
Comment: This sequence change replaces glutamine, which is neutral and polar, with histidine, which is basic and polar, at codon 346 of the TBX1 protein (p.Gln346His). This variant is not present in population databases (gnomAD no frequency). This variant has not been reported in the literature in individuals affected with TBX1-related conditions. ClinVar contains an entry for this variant (Variation ID: 1773256). An algorithm developed to predict the effect of missense changes on protein structure and function (PolyPhen-2) suggests that this variant is likely to be tolerated. In summary, the available evidence is currently insufficient to determine the role of this variant in disease. Therefore, it has been classified as a Variant of Uncertain Significance.

Ambry Genetics
Classification: Uncertain significance for Cardiovascular phenotype. Last evaluated: 2021-10-05. Review status: criteria provided, single submitter. Criteria: Ambry Variant Classification Scheme 2023. Collection method: clinical testing. Allele origin: germline.
Comment: The p.Q346H variant (also known as c.1038G>C), located in coding exon 8 of the TBX1 gene, results from a G to C substitution at nucleotide position 1038. The glutamine at codon 346 is replaced by histidine, an amino acid with highly similar properties. This amino acid position is conserved. In addition, this alteration is predicted to be tolerated by in silico analysis. Since supporting evidence is limited at this time, the clinical significance of this alteration remains unclear.

NM_001379200.1(TBX1):c.1065G>C (p.Gln355His)

Gene: TBX1 (T-box transcription factor 1; plus strand). Cytogenetic location: 22q11.21.
Variant type: single nucleotide variant.
Coding change: c.1065G>C on transcript NM_001379200.1 (MANE Select); coding-DNA position 1065, G replaced by C.
Protein change: p.Gln355His; replaces glutamine 355 with histidine.
Molecular consequence: missense variant. On other transcripts: intron variant (2).
Genome position (GRCh38, 1-based): chr22:19,766,417, G>C. VCF-style: chr22-19766417-G-C. GRCh37 (hg19) VCF-style: chr22-19753940-G-C.
Other names: c.1038G>C, p.Gln346His (NM_080647.1); c.1009+415G>C (NM_005992.1, NM_080646.2); short protein forms Q355H, Q346H.
Identifiers: ClinVar variation 1773256 (VCV001773256.3), dbSNP rs1936845811, ClinGen allele CA410684019.